The following is an entry in ClinVar:

NM_002834.5(PTPN11):c.577C>T (p.Leu193Phe)

Gene: PTPN11 (protein tyrosine phosphatase non-receptor type 11; plus strand). Cytogenetic location: 12q24.13.
Variant type: single nucleotide variant.
Coding change: c.577C>T on transcript NM_002834.5 (MANE Select); coding-DNA position 577, C replaced by T.
Protein change: p.Leu193Phe; replaces leucine 193 with phenylalanine.
Molecular consequence: missense variant.
Genome position (GRCh38, 1-based): chr12:112,454,615, C>T. VCF-style: chr12-112454615-C-T. GRCh37 (hg19) VCF-style: chr12-112892419-C-T.
Other names: c.577C>T, p.Leu193Phe (NM_001330437.2, NM_080601.3); c.574C>T, p.Leu192Phe (NM_001374625.1); short protein forms L192F, L193F.
Identifiers: ClinVar variation 4862770 (VCV004862770.1).

ClinVar aggregate classification (germline): Uncertain significance (1 of 4 stars; one submission).

Conditions:
Cardiovascular phenotype. Identifiers: MedGen CN230736.

Submission:

Ambry Genetics
Classification: Uncertain significance for Cardiovascular phenotype. Last evaluated: 2026-05-14. Review status: criteria provided, single submitter. Criteria: Ambry Variant Classification Scheme 2023. Collection method: clinical testing. Allele origin: germline.
Comment: The p.L193F variant (also known as c.577C>T), located in coding exon 5 of the PTPN11 gene, results from a C to T substitution at nucleotide position 577. The leucine at codon 193 is replaced by phenylalanine, an amino acid with highly similar properties. This amino acid position is conserved. In addition, this alteration is predicted to be deleterious by in silico analysis. Based on the available evidence, the clinical significance of this variant remains unclear.